The following is an entry in ClinVar:

NM_177438.3(DICER1):c.5183C>T (p.Ser1728Phe)

Gene: DICER1 (dicer 1, ribonuclease III; minus strand). Cytogenetic location: 14q32.13.
Variant type: single nucleotide variant.
Coding change: c.5183C>T on transcript NM_177438.3 (MANE Select); coding-DNA position 5183, C replaced by T.
Protein change: p.Ser1728Phe; replaces serine 1728 with phenylalanine.
Molecular consequence: missense variant.
Genome position (GRCh38, 1-based): chr14:95,094,069, G>A on the plus strand (C>T on the coding strand, the complement: DICER1 is on the minus strand). VCF-style: chr14-95094069-G-A. GRCh37 (hg19) VCF-style: chr14-95560406-G-A.
Other names: c.5183C>T, p.Ser1728Phe (NM_001195573.1, NM_001271282.3, NM_001291628.2 and 1 more transcripts); short protein forms S1728F.
Identifiers: ClinVar variation 1060061 (VCV001060061.10), dbSNP rs762801582, ClinGen allele CA7330708.

ClinVar aggregate classification (germline): Uncertain significance (1 of 4 stars; one submission).

Conditions:
DICER1-related tumor predisposition. Also called: DICER1 syndrome; DICER1-related pleuropulmonary blastoma cancer predisposition syndrome. Identifiers: Orphanet 284343, MedGen C3839822, MONDO:0100216.

Allele frequency attached by ClinVar (database versions not stated): gnomAD exomes below 0.00001; ExAC 0.00001; gnomAD 0.00001.
gnomAD v4.1: 3 of 1,613,994 alleles (0.00019%); highest among the groups gnomAD compares: Non-Finnish European, 0.00017%; no homozygotes.

Submission:

Labcorp Genetics (formerly Invitae), Labcorp
Classification: Uncertain significance for DICER1-related tumor predisposition. Last evaluated: 2022-10-20. Review status: criteria provided, single submitter. Criteria: Invitae Variant Classification Sherloc (09022015). Collection method: clinical testing. Allele origin: germline.
Comment: In summary, the available evidence is currently insufficient to determine the role of this variant in disease. Therefore, it has been classified as a Variant of Uncertain Significance. Advanced modeling of protein sequence and biophysical properties (such as structural, functional, and spatial information, amino acid conservation, physicochemical variation, residue mobility, and thermodynamic stability) performed at Invitae indicates that this missense variant is expected to disrupt DICER1 protein function. ClinVar contains an entry for this variant (Variation ID: 1060061). This variant has not been reported in the literature in individuals affected with DICER1-related conditions. This variant is present in population databases (rs762801582, gnomAD 0.01%). This sequence change replaces serine, which is neutral and polar, with phenylalanine, which is neutral and non-polar, at codon 1728 of the DICER1 protein (p.Ser1728Phe).